The following is an entry in ClinVar:

NM_138383.3(MTSS2):c.487C>T (p.Gln163Ter)

Gene: MTSS2 (MTSS I-BAR domain containing 2; minus strand). Cytogenetic location: 16q22.1.
Variant type: single nucleotide variant.
Coding change: c.487C>T on transcript NM_138383.3 (MANE Select); coding-DNA position 487, C replaced by T.
Protein change: p.Gln163Ter; replaces glutamine 163 with a stop codon.
Molecular consequence: nonsense.
Genome position (GRCh38, 1-based): chr16:70,678,389, G>A on the plus strand (C>T on the coding strand, the complement: MTSS2 is on the minus strand). VCF-style: chr16-70678389-G-A. GRCh37 (hg19) VCF-style: chr16-70712292-G-A.
Other names: short protein forms Q163*.
Identifiers: ClinVar variation 3377970 (VCV003377970.1).

ClinVar aggregate classification (germline): Uncertain significance (1 of 4 stars; one submission).

Submission:

GeneDx
Classification: Uncertain significance. Last evaluated: 2024-05-17. Review status: criteria provided, single submitter. Criteria: GeneDx Variant Classification Process June 2021. Collection method: clinical testing. Allele origin: germline. Affected: yes.
Comment: Not observed at significant frequency in large population cohorts (gnomAD); Has not been previously published as pathogenic or benign to our knowledge; Nonsense variant predicted to result in protein truncation or nonsense mediated decay in a gene for which loss-of-function is not an established mechanism of disease